The following is an entry in ClinVar:

NM_173854.6(SLC41A1):c.1070A>G (p.Asn357Ser)

Gene: SLC41A1 (solute carrier family 41 member 1; minus strand). Cytogenetic location: 1q32.1.
Variant type: single nucleotide variant.
Coding change: c.1070A>G on transcript NM_173854.6 (MANE Select); coding-DNA position 1070, A replaced by G.
Protein change: p.Asn357Ser; replaces asparagine 357 with serine.
Molecular consequence: missense variant.
Genome position (GRCh38, 1-based): chr1:205,796,926, T>C on the plus strand (A>G on the coding strand, the complement: SLC41A1 is on the minus strand). VCF-style: chr1-205796926-T-C. GRCh37 (hg19) VCF-style: chr1-205766054-T-C.
Other names: short protein forms N357S.
Identifiers: ClinVar variation 3648686 (VCV003648686.2).

ClinVar aggregate classification (germline): Uncertain significance (1 of 4 stars; one submission).

gnomAD v4.1: 1 of 1,612,476 alleles (0.000062%); highest among the groups gnomAD compares: Non-Finnish European, 0.000085%; no homozygotes.

Submission:

Labcorp Genetics (formerly Invitae), Labcorp
Classification: Uncertain significance. Last evaluated: 2024-05-23. Review status: criteria provided, single submitter. Criteria: Invitae Variant Classification Sherloc (09022015). Collection method: clinical testing. Allele origin: germline.
Comment: This sequence change replaces asparagine, which is neutral and polar, with serine, which is neutral and polar, at codon 357 of the SLC41A1 protein (p.Asn357Ser). This variant is present in population databases (no rsID available, gnomAD 0.003%). This variant has not been reported in the literature in individuals affected with SLC41A1-related conditions. An algorithm developed to predict the effect of missense changes on protein structure and function (PolyPhen-2) suggests that this variant is likely to be disruptive. Algorithms developed to predict the effect of sequence changes on RNA splicing suggest that this variant may disrupt the consensus splice site. In summary, the available evidence is currently insufficient to determine the role of this variant in disease. Therefore, it has been classified as a Variant of Uncertain Significance.